The following is an entry in ClinVar:

ClinVar aggregate classification (germline): Uncertain significance. Review status: criteria provided, multiple submitters, no conflicts (2 of 4 stars). 3 submissions from 3 submitters: Uncertain significance (3). Last evaluated 2025-11-23.

Conditions:
Inborn genetic diseases. Identifiers: MedGen C0950123, MeSH D030342.

Allele frequency attached by ClinVar (database versions not stated): gnomAD 0.00001; TOPMed 0.00001.
gnomAD v4.1: 7 of 1,614,090 alleles (0.00043%); highest among the groups gnomAD compares: East Asian, 0.0022%; no homozygotes.

Submissions (3):

Labcorp Genetics (formerly Invitae), Labcorp
Classification: Uncertain significance. Last evaluated: 2025-11-23. Review status: criteria provided, single submitter. Criteria: Invitae Variant Classification Sherloc (09022015). Collection method: clinical testing. Allele origin: germline.
Comment: This sequence change replaces valine, which is neutral and non-polar, with isoleucine, which is neutral and non-polar, at codon 1207 of the ABCC8 protein (p.Val1207Ile). This variant is not present in population databases (gnomAD no frequency). This variant has not been reported in the literature in individuals affected with ABCC8-related conditions. ClinVar contains an entry for this variant (Variation ID: 1700849). Invitae Evidence Modeling of protein sequence and biophysical properties (such as structural, functional, and spatial information, amino acid conservation, physicochemical variation, residue mobility, and thermodynamic stability) has been performed for this missense variant. However, the output from this modeling did not meet the statistical confidence thresholds required to predict the impact of this variant on ABCC8 protein function. In summary, the available evidence is currently insufficient to determine the role of this variant in disease. Therefore, it has been classified as a Variant of Uncertain Significance.

Ambry Genetics
Classification: Uncertain significance for Inborn genetic diseases. Last evaluated: 2025-09-28. Review status: criteria provided, single submitter. Criteria: Ambry Variant Classification Scheme 2023. Collection method: clinical testing. Allele origin: germline.

GeneDx
Classification: Uncertain significance. Last evaluated: 2022-02-14. Review status: criteria provided, single submitter. Criteria: GeneDx Variant Classification Process June 2021. Collection method: clinical testing. Allele origin: germline. Affected: yes.
Comment: Not observed at significant frequency in large population cohorts (gnomAD); In silico analysis supports that this missense variant does not alter protein structure/function; Has not been previously published as pathogenic or benign to our knowledge

NM_000352.6(ABCC8):c.3619G>A (p.Val1207Ile)

Gene: ABCC8 (ATP binding cassette subfamily C member 8; minus strand). Cytogenetic location: 11p15.1.
Variant type: single nucleotide variant.
Coding change: c.3619G>A on transcript NM_000352.6 (MANE Select); coding-DNA position 3619, G replaced by A.
Protein change: p.Val1207Ile; replaces valine 1207 with isoleucine.
Molecular consequence: missense variant. On other transcripts: non-coding transcript variant (1).
Genome position (GRCh38, 1-based): chr11:17,402,692, C>T on the plus strand (G>A on the coding strand, the complement: ABCC8 is on the minus strand). VCF-style: chr11-17402692-C-T. GRCh37 (hg19) VCF-style: chr11-17424239-C-T.
Other names: c.3622G>A, p.Val1208Ile (NM_001287174.3); c.3685G>A, p.Val1229Ile (NM_001351295.2); c.3619G>A, p.Val1207Ile (NM_001351296.2); c.3616G>A, p.Val1206Ile (NM_001351297.2); short protein forms V1206I, V1207I, V1208I, V1229I.
Identifiers: ClinVar variation 1700849 (VCV001700849.4), dbSNP rs1227230033, ClinGen allele CA379796529.